The following is an entry in ClinVar:

NM_000352.6(ABCC8):c.3574del (p.Asp1192fs)

Gene: ABCC8 (ATP binding cassette subfamily C member 8; minus strand). Cytogenetic location: 11p15.1.
Variant type: Deletion.
Coding change: c.3574del on transcript NM_000352.6 (MANE Select); coding-DNA position 3574, one base deleted (G; older notation c.3574delG).
Protein change: p.Asp1192fs; shifts the reading frame from aspartic acid 1192.
Molecular consequence: frameshift variant. On other transcripts: non-coding transcript variant (1).
Genome position (GRCh38, 1-based): chr11:17,402,737, C deleted on the plus strand (G on the coding strand, the reverse complement: ABCC8 is on the minus strand); the first of 2 consecutive C bases (chr11:17,402,737-17,402,738); deleting either gives the same sequence. VCF-style (leftmost placement, unchanged base first): chr11-17402736-TC-T. GRCh37 (hg19) VCF-style: chr11-17424283-TC-T.
Other names: c.3574delG (NM_000352.4); c.3574del (NM_000352.3); c.3577del, p.Asp1193fs (NM_001287174.3); c.3640del, p.Asp1214fs (NM_001351295.2); c.3574del, p.Asp1192fs (NM_001351296.2); c.3571del, p.Asp1191fs (NM_001351297.2); short protein forms D1192fs, D1214fs, D1191fs, D1193fs.
Identifiers: ClinVar variation 370210 (VCV000370210.19), dbSNP rs1057516317, ClinGen allele CA16041442.

ClinVar aggregate classification (germline): Pathogenic. Review status: criteria provided, multiple submitters, no conflicts (2 of 4 stars). 9 submissions from 9 submitters: Pathogenic (8). 1 of the submissions does not count toward it. Last evaluated 2025-07-23.

Conditions:
Hereditary hyperinsulinism.
Diabetes mellitus, permanent neonatal 3. Also called: ABCC8-Related Permanent Neonatal Diabetes Mellitus. Identifiers: MedGen C5394303, MONDO:0030088, OMIM 618857.
Diabetes mellitus, transient neonatal, 2 (TNDM2). Identifiers: Orphanet 99886, MedGen C1835887, MONDO:0012480, OMIM 610374. Disease mechanism: loss of function.
Hyperinsulinemic hypoglycemia, familial, 1 (HHF1). Also called: HYPERINSULINISM, FAMILIAL, WITH PANCREATIC NESIDIOBLASTOSIS; HYPOGLYCEMIA, HYPERINSULINEMIC, OF INFANCY; NESIDIOBLASTOSIS OF PANCREAS; Persistent Hyperinsulinemia Hypoglycemia of Infancy; Persistent hyperinsulinemic hypoglycemia of infancy. Identifiers: Orphanet 276575, Orphanet 276598, MedGen C2931832, MONDO:0009734, OMIM 256450.
Leucine-induced hypoglycemia (LIH). Also called: LEUCINE-SENSITIVE HYPOGLYCEMIA OF INFANCY. Identifiers: MedGen C0271714, MONDO:0009415, OMIM 240800.
Type 2 diabetes mellitus. Also called: Type II diabetes mellitus. Identifiers: MedGen C0011860, MeSH D003924, MONDO:0005148, OMIM 125853, HP:0005978.
ABCC8-related disorder.
Familial hyperinsulinism. Also called: Congenital hyperinsulinism. Identifiers: Orphanet 276525, MedGen C3888018, MONDO:0017182. Disease mechanism: loss of function.

Submissions (9):

Natera, Inc.
Classification: Pathogenic for Hereditary hyperinsulinism. Last evaluated: 2025-07-23. Review status: criteria provided, single submitter. Criteria: Natera Variant Classification Schema (03/2026). Collection method: clinical testing. Allele origin: germline.
Comment: The c.3574delG variant in ABCC8 is a frameshift variant predicted to shift the reading frame beginning at codon 1192 and leads to a stop codon 16 codons downstream. This variant is expected to result in nonsense mediated decay, truncation, or a dysfunctional protein product. This variant is rare in the general population with a frequency below the threshold expected for the associated phenotype(s). This variant has been observed in one or more individuals affected with the associated recessive disease, as either homozygous or compound heterozygous with a second variant (PMID: 30462810, 18339976). Additionally, this variant has been observed to segregate in affected family members (PMID: 30462810). Given the available evidence, this variant is classified as Pathogenic.

Labcorp Genetics (formerly Invitae), Labcorp
Classification: Pathogenic. Last evaluated: 2025-06-29. Review status: criteria provided, single submitter. Criteria: Invitae Variant Classification Sherloc (09022015). Collection method: clinical testing. Allele origin: germline.
Comment: This sequence change creates a premature translational stop signal (p.Asp1192Metfs*16) in the ABCC8 gene. It is expected to result in an absent or disrupted protein product. Loss-of-function variants in ABCC8 are known to be pathogenic (PMID: 20685672, 23345197). This variant is not present in population databases (gnomAD no frequency). This premature translational stop signal has been observed in individuals with autosomal recessive diffuse or paternally inherited focal hyperinsulinism (PMID: 14692646, 30462810). This variant is also known as 3576delG. ClinVar contains an entry for this variant (Variation ID: 370210). For these reasons, this variant has been classified as Pathogenic.

Blueprint Genetics
Classification: Pathogenic for ABCC8-related disorders. Last evaluated: 2024-10-25. Review status: criteria provided, single submitter. Criteria: ACMG Guidelines, 2015. Collection method: clinical testing. Allele origin: germline. Affected: yes. Observed: 2 variant alleles.

Fulgent Genetics
Classification: Pathogenic for Type 2 diabetes mellitus; Leucine-induced hypoglycemia; Hyperinsulinemic hypoglycemia, familial, 1; Diabetes mellitus, transient neonatal, 2; Diabetes mellitus, permanent neonatal 3. Last evaluated: 2024-05-22. Review status: criteria provided, single submitter. Criteria: ACMG Guidelines, 2015. Collection method: clinical testing. Allele origin: germline.

Baylor Genetics
Classification: Pathogenic for Type 2 diabetes mellitus. Last evaluated: 2024-02-16. Review status: criteria provided, single submitter. Criteria: ACMG Guidelines, 2015. Collection method: clinical testing. Allele origin: unknown.

Athena Diagnostics
Classification: Pathogenic. Last evaluated: 2023-08-02. Review status: criteria provided, single submitter. Criteria: Athena Diagnostics Criteria. Collection method: clinical testing. Allele origin: unknown.
Comment: This variant is expected to result in the loss of a functional protein. The frequency of this variant in the general population is consistent with pathogenicity. This variant has been identified in multiple unrelated individuals with either focal or diffuse congenital hyperinsulinism (CHI).

Women's Health and Genetics/Laboratory Corporation of America, LabCorp
Classification: Pathogenic for Familial hyperinsulinism. Last evaluated: 2017-08-10. Review status: criteria provided, single submitter. Criteria: LabCorp Variant Classification Summary - May 2015. Collection method: clinical testing. Allele origin: germline.
Comment: Variant summary: The ABCC8 c.3574delG (p.Asp1192Metfs)(legacy names: c.3577delG and c.3576delG) variant results in a premature termination codon, predicted to cause a truncated or absent ABCC8 protein due to nonsense mediated decay, which are commonly known mechanisms for disease. This variant is absent in 121604 control chromosomes. Multiple publications have cited the variant in compound heterozygote indivdiuals affected with Congenital Hyperinsulinisim. A clinical diagnostic laboratory classified this variant as likely pathogenic. Taken together, this variant is classified as pathogenic.

Clinical Genetics Service, Universitary Hospital 12 de Octubre
Classification: Pathogenic for Type 2 diabetes mellitus. Review status: criteria provided, single submitter. Criteria: ACMG Guidelines, 2015. Collection method: clinical testing. Allele origin: germline. Affected: yes.

Counsyl
Classification: Likely pathogenic for Hyperinsulinemic hypoglycemia, familial, 1. Last evaluated: 2015-12-14. Review status: no assertion criteria provided. Collection method: clinical testing. Allele origin: unknown. Not counted in ClinVar's aggregate classification.

Literature cited by the submitters: PubMed 30462810 (cited by 3 submitters); PubMed 18339976 (cited by 3 submitters); PubMed 20685672 (cited by Labcorp Genetics (formerly Invitae), Labcorp and Women's Health and Genetics/Laboratory Corporation of America, LabCorp); PubMed 23345197 (cited by Labcorp Genetics (formerly Invitae), Labcorp); PubMed 14692646 (cited by 3 submitters); PubMed 14715863 (cited by Athena Diagnostics); PubMed 15562009 (cited by Athena Diagnostics); PubMed 16357843 (cited by Athena Diagnostics); PubMed 16429405 (cited by 3 submitters); PubMed 17378627 (cited by Athena Diagnostics and Women's Health and Genetics/Laboratory Corporation of America, LabCorp); PubMed 23275527 (cited by Women's Health and Genetics/Laboratory Corporation of America, LabCorp); PubMed 12784138 (cited by Women's Health and Genetics/Laboratory Corporation of America, LabCorp); PubMed 27188453 (cited by Women's Health and Genetics/Laboratory Corporation of America, LabCorp).